The following is an entry in ClinVar:

ClinVar aggregate classification (germline): Uncertain significance (1 of 4 stars; one submission).

Conditions:
Gastrointestinal stromal tumor. Also called: Gastrointestinal stroma tumor; Gastrointestinal stromal tumor, somatic. Identifiers: Orphanet 44890, MedGen C0238198, MeSH D046152, MONDO:0011719, OMIM 606764, HP:0100723.

Allele frequency attached by ClinVar (database versions not stated): gnomAD exomes below 0.00001; ExAC 0.00001; gnomAD 0.00001; 1000 Genomes Project 30x 0.00016; 1000 Genomes Project 0.00020.
gnomAD v4.1: 1 of 1,454,998 alleles (0.000069%); highest among the groups gnomAD compares: African/African-American, 0.0014%; no homozygotes.

Submission:

Labcorp Genetics (formerly Invitae), Labcorp
Classification: Uncertain significance for Gastrointestinal stromal tumor. Last evaluated: 2026-01-26. Review status: criteria provided, single submitter. Criteria: Invitae Variant Classification Sherloc (09022015). Collection method: clinical testing. Allele origin: germline.
Comment: This sequence change falls in intron 8 of the PDGFRA gene. It does not directly change the encoded amino acid sequence of the PDGFRA protein. It affects a nucleotide within the consensus splice site. This variant is present in population databases (rs533219222, gnomAD 0.007%). This variant has not been reported in the literature in individuals affected with PDGFRA-related conditions. ClinVar contains an entry for this variant (Variation ID: 1472627). Variants that disrupt the consensus splice site are a relatively common cause of aberrant splicing (PMID: 17576681, 9536098). Algorithms developed to predict the effect of sequence changes on RNA splicing suggest that this variant is not likely to affect RNA splicing. In summary, the available evidence is currently insufficient to determine the role of this variant in disease. Therefore, it has been classified as a Variant of Uncertain Significance.

Literature cited by the submitters: PubMed 17576681; PubMed 9536098.

NM_006206.6(PDGFRA):c.1237+4T>A

Gene: PDGFRA (platelet derived growth factor receptor alpha; plus strand). Cytogenetic location: 4q12.
Variant type: single nucleotide variant.
Coding change: c.1237+4T>A on transcript NM_006206.6 (MANE Select); 4 bases into the intron after coding-DNA position 1237, T replaced by A.
Molecular consequence: intron variant.
Genome position (GRCh38, 1-based): chr4:54,270,752, T>A. VCF-style: chr4-54270752-T-A. GRCh37 (hg19) VCF-style: chr4-55136919-T-A.
Other names: c.1312+4T>A (NM_001347828.2); c.1237+4T>A (NM_001347827.2, NM_001347829.2); c.1276+4T>A (NM_001347830.2).
Identifiers: ClinVar variation 1472627 (VCV001472627.6), dbSNP rs533219222, ClinGen allele CA2922490.